The following is an entry in ClinVar:

ClinVar aggregate classification (germline): Uncertain significance. Review status: criteria provided, multiple submitters, no conflicts (2 of 4 stars). 4 submissions from 4 submitters: Uncertain significance (4). Last evaluated 2025-06-02.

Conditions:
Hereditary cancer-predisposing syndrome. Also called: Hereditary neoplastic syndrome; Neoplastic Syndromes, Hereditary; Hereditary Cancer Syndrome; Tumor predisposition. Identifiers: Orphanet 140162, MedGen C0027672, MeSH D009386, MONDO:0015356.
Familial cancer of breast. Also called: BREAST CANCER, FAMILIAL; Hereditary breast cancer; hereditary breast carcinoma. Identifiers: Orphanet 227535, MedGen C0346153, MONDO:0016419, OMIM 114480. Disease mechanism: loss of function.
Breast-ovarian cancer, familial, susceptibility to, 5 (BROVCA5). Identifiers: MedGen C5830615, MONDO:0957530, OMIM 620442.

Allele frequency attached by ClinVar (database versions not stated): gnomAD exomes below 0.00001.
gnomAD v4.1: 1 of 1,614,116 alleles (0.000062%); highest among the groups gnomAD compares: Non-Finnish European, 0.000085%; no homozygotes.

Submissions (4):

Dasa
Classification: Uncertain significance for Breast-ovarian cancer, familial, susceptibility to, 5. Last evaluated: 2025-06-02. Review status: criteria provided, single submitter. Criteria: DASA Assertion Criteria. Collection method: clinical testing. Allele origin: germline.
Comment: NM_024675.4(PALB2):c.3265G>A (p.Val1089Met) is a missense variant that results in the substitution of valine with methionine. This variant is rare in population databases. The currently available literature and clinical evidence are not sufficient to establish a definitive association between this variant and the reported condition. Therefore, this variant is classified as a variant of uncertain significance.

Color Diagnostics, LLC DBA Color Health
Classification: Uncertain significance for Hereditary cancer-predisposing syndrome. Last evaluated: 2023-12-04. Review status: criteria provided, single submitter. Criteria: ACMG Guidelines, 2015. Collection method: clinical testing. Allele origin: germline.
Comment: This missense variant replaces valine with methionine at codon 1089 of the PALB2 protein. Computational prediction suggests that this variant may not impact protein structure and function (internally defined REVEL score threshold <= 0.5, PMID: 27666373). To our knowledge, functional studies have not been reported for this variant. This variant has not been reported in individuals affected with PALB2-related disorders in the literature. This variant has not been identified in the general population by the Genome Aggregation Database (gnomAD). The available evidence is insufficient to determine the role of this variant in disease conclusively. Therefore, this variant is classified as a Variant of Uncertain Significance.

Labcorp Genetics (formerly Invitae), Labcorp
Classification: Uncertain significance for Familial cancer of breast. Last evaluated: 2021-05-18. Review status: criteria provided, single submitter. Criteria: Invitae Variant Classification Sherloc (09022015). Collection method: clinical testing. Allele origin: germline.
Comment: This sequence change replaces valine with methionine at codon 1089 of the PALB2 protein (p.Val1089Met). The valine residue is moderately conserved and there is a small physicochemical difference between valine and methionine. This variant is not present in population databases (ExAC no frequency). This variant has not been reported in the literature in individuals with PALB2-related conditions. ClinVar contains an entry for this variant (Variation ID: 919796). Algorithms developed to predict the effect of missense changes on protein structure and function output the following: SIFT: "Deleterious"; PolyPhen-2: "Benign"; Align-GVGD: "Class C0". The methionine amino acid residue is found in multiple mammalian species, suggesting that this missense change does not adversely affect protein function. These predictions have not been confirmed by published functional studies and their clinical significance is uncertain. In summary, the available evidence is currently insufficient to determine the role of this variant in disease. Therefore, it has been classified as a Variant of Uncertain Significance.

Ambry Genetics
Classification: Uncertain significance for Hereditary cancer-predisposing syndrome. Last evaluated: 2019-10-01. Review status: criteria provided, single submitter. Criteria: Ambry Variant Classification Scheme 2023. Collection method: clinical testing. Allele origin: germline.
Comment: The p.V1089M variant (also known as c.3265G>A), located in coding exon 12 of the PALB2 gene, results from a G to A substitution at nucleotide position 3265. The valine at codon 1089 is replaced by methionine, an amino acid with highly similar properties. This amino acid position is well conserved in available vertebrate species. In addition, this alteration is predicted to be tolerated by in silico analysis. Since supporting evidence is limited at this time, the clinical significance of this alteration remains unclear.

NM_024675.4(PALB2):c.3265G>A (p.Val1089Met)

Gene: PALB2 (partner and localizer of BRCA2; minus strand). Cytogenetic location: 16p12.2.
Variant type: single nucleotide variant.
Coding change: c.3265G>A on transcript NM_024675.4 (MANE Select); coding-DNA position 3265, G replaced by A.
Protein change: p.Val1089Met; replaces valine 1089 with methionine.
Molecular consequence: missense variant.
Genome position (GRCh38, 1-based): chr16:23,607,949, C>T on the plus strand (G>A on the coding strand, the complement: PALB2 is on the minus strand). VCF-style: chr16-23607949-C-T. GRCh37 (hg19) VCF-style: chr16-23619270-C-T.
Other names: short protein forms V1089M.
Identifiers: ClinVar variation 919796 (VCV000919796.17), dbSNP rs1966509780, ClinGen allele CA395139741.
Genomic context (GRCh38, chr16:23,607,949, plus strand): 5'-AGTACAGCATCACACCCACGCTGAGAGTCGTCTTAGGGTTAATCACAATGAGCTGAAACA[C>T]AGGGCTTCGCAACGACTCACTCTCTTTGGCACAGGGATGACTCAGGACAATAAAGAGAAG-3'
Protein context (NP_078951.2, residues 1079-1099): AKESESLRSP[Val1089Met]FQLIVINPKT